The following is an entry in ClinVar:

ClinVar aggregate classification (germline): Likely pathogenic (1 of 4 stars; one submission).

Conditions:
Pyruvate dehydrogenase E3 deficiency (DLDD). Also called: Lipoamide dehydrogenase deficiency, lactic acidosis due to; Dihydrolipoamide Dehydrogenase (E3) Deficiency; MAPLE SYRUP URINE DISEASE, TYPE III; Dihydrolipoamide Dehydrogenase Deficiency; DLD DEFICIENCY; E3 DEFICIENCY. Identifiers: Orphanet 2394, Orphanet 765, MedGen C5574660, MONDO:0009529, OMIM 246900.

Submission:

Natera, Inc.
Classification: Likely pathogenic for Maple syrup urine disease type 3. Last evaluated: 2024-09-20. Review status: criteria provided, single submitter. Criteria: Natera Variant Classification Schema (03/2026). Collection method: clinical testing. Allele origin: germline.
Comment: The c.1218_1219delAGinsGT variant in DLD is a deletion-insertion (delins) variant predicted to replace one or more nucleotides with a different sequence. This variant is expected to result in nonsense mediated decay, truncation, or a dysfunctional protein product. This variant is rare in the general population with a frequency below the threshold expected for the associated phenotype(s). Given the available evidence, this variant is classified as Likely Pathogenic.

NM_000108.5(DLD):c.1218_1219delinsGT (p.Glu407Ter)

Gene: DLD (dihydrolipoamide dehydrogenase; plus strand). Cytogenetic location: 7q31.1.
Variant type: Indel.
Coding change: c.1218_1219delinsGT on transcript NM_000108.5 (MANE Select); coding-DNA positions 1218 to 1219, AG replaced by GT.
Protein change: p.Glu407Ter; replaces glutamic acid 407 with a stop codon.
Molecular consequence: nonsense.
Genome position (GRCh38, 1-based): chr7:107,917,444-107,917,445, AG replaced by GT. VCF-style: chr7-107917444-AG-GT. GRCh37 (hg19) VCF-style: chr7-107557889-AG-GT.
Other names: c.921_922delinsGT, p.Glu308Ter (NM_001289750.1); c.1149_1150delinsGT, p.Glu384Ter (NM_001289751.1); c.1074_1075delinsGT, p.Glu359Ter (NM_001289752.1); short protein forms E308*, E359*, E384*, E407*.
Identifiers: ClinVar variation 4817449 (VCV004817449.1).
Genomic context (GRCh38, chr7:107,917,444, plus strand): 5'-CAATTGTGTGCCATCAGTGATTTACACACACCCTGAAGTTGCTTGGGTTGGCAAATCAGA[AG>GT]AGCAGTTGAAAGAAGAGGTAAGTCTGAACATGGGTGGTTTTAAGCCAATGTGTGAGTTGT-3'